The following is an entry in ClinVar:

NM_000551.4(VHL):c.188T>A (p.Leu63Gln)

Gene: VHL (von Hippel-Lindau tumor suppressor; plus strand). Cytogenetic location: 3p25.3.
Variant type: single nucleotide variant.
Coding change: c.188T>A on transcript NM_000551.4 (MANE Select); coding-DNA position 188, T replaced by A.
Protein change: p.Leu63Gln; replaces leucine 63 with glutamine.
Molecular consequence: missense variant.
Genome position (GRCh38, 1-based): chr3:10,142,035, T>A. VCF-style: chr3-10142035-T-A. GRCh37 (hg19) VCF-style: chr3-10183719-T-A.
Other names: c.188T>A, p.Leu63Gln (NM_001354723.2, NM_198156.3); short protein forms L63Q.
Identifiers: ClinVar variation 625220 (VCV000625220.11), dbSNP rs104893827, ClinGen allele CA351748753.
Genomic context (GRCh38, chr3:10,142,035, plus strand): 5'-CCGGCCCGGAGGAACTGGGCGCCGAGGAGGAGATGGAGGCCGGGCGGCCGCGGCCCGTGC[T>A]GCGCTCGGTGAACTCGCGCGAGCCCTCCCAGGTCATCTTCTGCAATCGCAGTCCGCGCGT-3'
Protein context (NP_000542.1, residues 53-73): EMEAGRPRPV[Leu63Gln]RSVNSREPSQ

ClinVar aggregate classification (germline): Conflicting classifications of pathogenicity. Review status: criteria provided, conflicting classifications (1 of 4 stars). 2 submissions from 2 submitters: Likely pathogenic (1); Uncertain significance (1). Last evaluated 2022-11-29.

Conditions:
Von Hippel-Lindau syndrome (VHLS). Also called: von Hippel–Lindau syndrome; Von Hippel-Lindau; VHL syndrome. Identifiers: Orphanet 892, MedGen C0019562, MONDO:0008667, OMIM 193300. Disease mechanism: loss of function.
Chuvash polycythemia. Also called: POLYCYTHEMIA, VHL-DEPENDENT. Identifiers: Orphanet 238557, MedGen C1837915, MONDO:0009892, OMIM 263400.

Submissions (2):

Labcorp Genetics (formerly Invitae), Labcorp
Classification: Likely pathogenic for Von Hippel-Lindau syndrome; Chuvash polycythemia. Last evaluated: 2022-11-29. Review status: criteria provided, single submitter. Criteria: Invitae Variant Classification Sherloc (09022015). Collection method: clinical testing. Allele origin: germline.
Comment: In summary, the currently available evidence indicates that the variant is pathogenic, but additional data are needed to prove that conclusively. Therefore, this variant has been classified as Likely Pathogenic. Advanced modeling of protein sequence and biophysical properties (such as structural, functional, and spatial information, amino acid conservation, physicochemical variation, residue mobility, and thermodynamic stability) performed at Invitae indicates that this missense variant is expected to disrupt VHL protein function. ClinVar contains an entry for this variant (Variation ID: 625220). This missense change has been observed in individuals with bilateral pheochromocytoma (PMID: 19258401; Invitae). This variant is not present in population databases (gnomAD no frequency). This sequence change replaces leucine, which is neutral and non-polar, with glutamine, which is neutral and polar, at codon 63 of the VHL protein (p.Leu63Gln).

Genomic Diagnostic Laboratory, Division of Genomic Diagnostics, Children's Hospital of Philadelphia
Classification: Uncertain significance for von Hippel-Lindau syndrome. Last evaluated: 2018-08-01. Review status: criteria provided, single submitter. Criteria: DGD Variant Analysis Guidelines. Collection method: clinical testing. Allele origin: germline. Affected: yes. Observed: 1 variant allele.

Literature cited by the submitters: PubMed 19258401 (cited by Labcorp Genetics (formerly Invitae), Labcorp).